The following is an entry in ClinVar:

ClinVar aggregate classification (germline): Uncertain significance (1 of 4 stars; one submission).

Conditions:
Hypertrophic cardiomyopathy. Also called: HYPERTROPHIC MYOCARDIOPATHY. Identifiers: Orphanet 217569, MedGen C0007194, MeSH D002312, MONDO:0005045, HP:0001639.

Submission:

Labcorp Genetics (formerly Invitae), Labcorp
Classification: Uncertain significance for Hypertrophic cardiomyopathy. Last evaluated: 2024-08-31. Review status: criteria provided, single submitter. Criteria: Invitae Variant Classification Sherloc (09022015). Collection method: clinical testing. Allele origin: germline.
Comment: This sequence change replaces alanine, which is neutral and non-polar, with threonine, which is neutral and polar, at codon 151 of the TPM1 protein (p.Ala151Thr). This variant is not present in population databases (gnomAD no frequency). This variant has not been reported in the literature in individuals affected with TPM1-related conditions. An algorithm developed to predict the effect of missense changes on protein structure and function (PolyPhen-2) suggests that this variant is likely to be disruptive. In summary, the available evidence is currently insufficient to determine the role of this variant in disease. Therefore, it has been classified as a Variant of Uncertain Significance.

NM_001018005.2(TPM1):c.451G>A (p.Ala151Thr)

Gene: TPM1 (tropomyosin 1; plus strand). Cytogenetic location: 15q22.2.
Variant type: single nucleotide variant.
Coding change: c.451G>A on transcript NM_001018005.2 (MANE Select); coding-DNA position 451, G replaced by A.
Protein change: p.Ala151Thr; replaces alanine 151 with threonine.
Molecular consequence: missense variant. On other transcripts: non-coding transcript variant (17).
Genome position (GRCh38, 1-based): chr15:63,059,639, G>A. VCF-style: chr15-63059639-G-A. GRCh37 (hg19) VCF-style: chr15-63351838-G-A.
Other names: c.451G>A, p.Ala151Thr (NM_000366.6, NM_001018004.2, NM_001018006.2 and 20 more transcripts); c.343G>A, p.Ala115Thr (NM_001018008.2, NM_001301289.2, NM_001407342.1 and 9 more transcripts); c.577G>A, p.Ala193Thr (NM_001407322.1, NM_001407323.1, NM_001407324.1 and 1 more transcripts); short protein forms A115T, A193T, A151T.
Identifiers: ClinVar variation 3662845 (VCV003662845.2).